The following is an entry in ClinVar:

NM_003718.5(CDK13):c.1858_1860del (p.Lys620del)

Gene: CDK13 (cyclin dependent kinase 13; plus strand). Cytogenetic location: 7p14.1.
Variant type: Deletion.
Coding change: c.1858_1860del on transcript NM_003718.5 (MANE Select); coding-DNA positions 1858 to 1860, 3 bases deleted (AAA; older notation c.1858_1860delAAA).
Protein change: p.Lys620del; deletes lysine 620.
Molecular consequence: inframe indel (on NM_031267.4).
Genome position (GRCh38, 1-based): chr7:39,988,245-39,988,247, AAA deleted. VCF-style (leftmost placement, unchanged base first): chr7-39988244-TAAA-T. GRCh37 (hg19) VCF-style: chr7-40027843-TAAA-T.
Other names: c.1858_1860delAAA, p.Lys620del (NM_031267.4); short protein forms K620del.
Identifiers: ClinVar variation 1710847 (VCV001710847.3), dbSNP rs1314136582, ClinGen allele CA574229694.

ClinVar aggregate classification (germline): Uncertain significance (1 of 4 stars; one submission).

Allele frequency attached by ClinVar (database versions not stated): gnomAD exomes 0.00001.

Submission:

GeneDx
Classification: Uncertain significance. Last evaluated: 2024-11-25. Review status: criteria provided, single submitter. Criteria: GeneDx Variant Classification Process June 2021. Collection method: clinical testing. Allele origin: germline. Affected: yes.
Comment: Not observed at significant frequency in large population cohorts (gnomAD); In-frame deletion of 1 amino acid in a non-repeat region; In silico analysis indicates that this variant does not alter protein structure/function; Has not been previously published as pathogenic or benign to our knowledge